The following is an entry in ClinVar:

NM_006383.4(CIB2):c.508G>A (p.Glu170Lys)

Gene: CIB2 (calcium and integrin binding family member 2; minus strand). Cytogenetic location: 15q25.1.
Variant type: single nucleotide variant.
Coding change: c.508G>A on transcript NM_006383.4 (MANE Select); coding-DNA position 508, G replaced by A.
Protein change: p.Glu170Lys; replaces glutamic acid 170 with lysine.
Molecular consequence: missense variant. On other transcripts: non-coding transcript variant (1).
Genome position (GRCh38, 1-based): chr15:78,105,773, C>T on the plus strand (G>A on the coding strand, the complement: CIB2 is on the minus strand). VCF-style: chr15-78105773-C-T. GRCh37 (hg19) VCF-style: chr15-78398115-C-T.
Other names: c.379G>A, p.Glu127Lys (NM_001271888.2); c.361G>A, p.Glu121Lys (NM_001271889.2); c.523G>A, p.Glu175Lys (NM_001301224.2); short protein forms E121K, E127K, E170K, E175K.
Identifiers: ClinVar variation 1026979 (VCV001026979.11), dbSNP rs552039338, ClinGen allele CA7680153.

ClinVar aggregate classification (germline): Uncertain significance. Review status: criteria provided, multiple submitters, no conflicts (2 of 4 stars). 3 submissions from 3 submitters: Uncertain significance (3). Last evaluated 2022-10-18.

Allele frequency attached by ClinVar (database versions not stated): gnomAD 0.00004 and 0.00005; TOPMed 0.00003; 1000 Genomes Project 30x 0.00031; 1000 Genomes Project 0.00040.

Submissions (3):

Labcorp Genetics (formerly Invitae), Labcorp
Classification: Uncertain significance. Last evaluated: 2022-10-18. Review status: criteria provided, single submitter. Criteria: Invitae Variant Classification Sherloc (09022015). Collection method: clinical testing. Allele origin: germline.
Comment: This variant is present in population databases (rs552039338, gnomAD 0.01%). This sequence change replaces glutamic acid, which is acidic and polar, with lysine, which is basic and polar, at codon 170 of the CIB2 protein (p.Glu170Lys). This variant has not been reported in the literature in individuals affected with CIB2-related conditions. ClinVar contains an entry for this variant (Variation ID: 1026979). Algorithms developed to predict the effect of missense changes on protein structure and function (SIFT, PolyPhen-2, Align-GVGD) all suggest that this variant is likely to be disruptive. In summary, the available evidence is currently insufficient to determine the role of this variant in disease. Therefore, it has been classified as a Variant of Uncertain Significance.

GeneDx
Classification: Uncertain significance. Last evaluated: 2022-07-07. Review status: criteria provided, single submitter. Criteria: GeneDx Variant Classification Process June 2021. Collection method: clinical testing. Allele origin: germline. Affected: yes.
Comment: In silico analysis supports that this missense variant has a deleterious effect on protein structure/function; Has not been previously published as pathogenic or benign to our knowledge

Blueprint Genetics
Classification: Uncertain significance. Last evaluated: 2021-01-01. Review status: criteria provided, single submitter. Criteria: ACMG Guidelines, 2015. Collection method: clinical testing. Allele origin: germline.